The following is an entry in ClinVar:

NM_002474.3(MYH11):c.5288C>T (p.Thr1763Ile)

Genes: NDE1 (nudE neurodevelopment protein 1; plus strand), MYH11 (myosin heavy chain 11; minus strand). Cytogenetic location: 16p13.11.
Variant type: single nucleotide variant.
Coding change: c.5288C>T on transcript NM_002474.3 (MANE Select); coding-DNA position 5288, C replaced by T.
Protein change: p.Thr1763Ile; replaces threonine 1763 with isoleucine.
Molecular consequence: missense variant. On other transcripts: intron variant (2).
Genome position (GRCh38, 1-based): chr16:15,718,322, G>A on the plus strand (C>T on the coding strand, the complement: MYH11 is on the minus strand). VCF-style: chr16-15718322-G-A. GRCh37 (hg19) VCF-style: chr16-15812179-G-A.
Other names: c.5288C>T (NM_002474.2); c.5309C>T, p.Thr1770Ile (NM_001040113.2, NM_001040114.2); c.5288C>T, p.Thr1763Ile (NM_022844.3); c.948-5869G>A (NM_001143979.2, NM_017668.3); short protein forms T1770I, T1763I.
Identifiers: ClinVar variation 928175 (VCV000928175.19), dbSNP rs761727438, ClinGen allele CA7921346.

ClinVar aggregate classification (germline): Uncertain significance. Review status: criteria provided, multiple submitters, no conflicts (2 of 4 stars). 6 submissions from 6 submitters: Uncertain significance (6). Last evaluated 2025-11-03.

Conditions:
Aortic aneurysm, familial thoracic 4 (AAT4). Also called: AORTIC ANEURYSM/AORTIC DISSECTION AND PATENT DUCTUS ARTERIOSUS. Identifiers: MedGen C1851504, MONDO:0007568, OMIM 132900.
Visceral myopathy 2. Identifiers: MedGen C5543466, MONDO:0859157, OMIM 619350.
Megacystis-microcolon-intestinal hypoperistalsis syndrome 2. Identifiers: MedGen C5543476, MONDO:0025708, OMIM 619351.
Familial thoracic aortic aneurysm and aortic dissection (TAAD). Also called: Thoracic aortic aneurysms and dissections. Identifiers: Orphanet 91387, MedGen C4707243, MONDO:0019625.

Allele frequency attached by ClinVar (database versions not stated): gnomAD 0.00001; gnomAD exomes 0.00001 and 0.00003; TOPMed 0.00002; ExAC 0.00003.
gnomAD v4.1: 23 of 1,609,032 alleles (0.0014%); highest among the groups gnomAD compares: South Asian, 0.0011%; no homozygotes.

Submissions (6):

Color Diagnostics, LLC DBA Color Health
Classification: Uncertain significance for Familial thoracic aortic aneurysm and aortic dissection. Last evaluated: 2025-11-03. Review status: criteria provided, single submitter. Criteria: ACMG Guidelines, 2015. Collection method: clinical testing. Allele origin: germline.
Comment: This missense variant replaces threonine with isoleucine at codon 1770 of the MYH11 protein. Computational prediction suggests that this variant may not impact protein structure and function. To our knowledge, functional studies have not been reported for this variant. This variant has not been reported in individuals affected with MYH11-related disorders in the literature. This variant has been identified in 8/248000 chromosomes in the general population by the Genome Aggregation Database (gnomAD). The available evidence is insufficient to determine the role of this variant in disease conclusively. Therefore, this variant is classified as a Variant of Uncertain Significance.

Ambry Genetics
Classification: Uncertain significance for Familial thoracic aortic aneurysm and aortic dissection. Last evaluated: 2024-04-06. Review status: criteria provided, single submitter. Criteria: Ambry Variant Classification Scheme 2023. Collection method: clinical testing. Allele origin: germline.
Comment: The p.T1763I variant (also known as c.5288C>T), located in coding exon 36 of the MYH11 gene, results from a C to T substitution at nucleotide position 5288. The threonine at codon 1763 is replaced by isoleucine, an amino acid with similar properties. This amino acid position is conserved. In addition, this alteration is predicted to be tolerated by in silico analysis. Based on the available evidence, the clinical significance of this variant remains unclear.

Labcorp Genetics (formerly Invitae), Labcorp
Classification: Uncertain significance for Aortic aneurysm, familial thoracic 4. Last evaluated: 2023-11-18. Review status: criteria provided, single submitter. Criteria: Invitae Variant Classification Sherloc (09022015). Collection method: clinical testing. Allele origin: germline.
Comment: This sequence change replaces threonine, which is neutral and polar, with isoleucine, which is neutral and non-polar, at codon 1770 of the MYH11 protein (p.Thr1770Ile). This variant is present in population databases (rs761727438, gnomAD 0.07%). This missense change has been observed in individual(s) with clinical features of thoracic aortic aneurysm and dissection (Invitae). ClinVar contains an entry for this variant (Variation ID: 928175). Advanced modeling of protein sequence and biophysical properties (such as structural, functional, and spatial information, amino acid conservation, physicochemical variation, residue mobility, and thermodynamic stability) performed at Invitae indicates that this missense variant is not expected to disrupt MYH11 protein function with a negative predictive value of 95%. In summary, the available evidence is currently insufficient to determine the role of this variant in disease. Therefore, it has been classified as a Variant of Uncertain Significance.

All of Us Research Program, National Institutes of Health
Classification: Uncertain significance for Familial thoracic aortic aneurysm and aortic dissection. Last evaluated: 2023-08-15. Review status: criteria provided, single submitter. Criteria: ACMG Guidelines, 2015. Collection method: clinical testing. Allele origin: germline. Inheritance: Autosomal dominant inheritance. Observed: 5 variant alleles, 5 heterozygotes.
Comment: This missense variant replaces threonine with isoleucine at codon 1770 of the MYH11 protein. Computational prediction suggests that this variant may not impact protein structure and function (internally defined REVEL score threshold <= 0.5, PMID: 27666373). To our knowledge, functional studies have not been reported for this variant. This variant has not been reported in individuals affected with cardiovascular disorders in the literature. This variant has been identified in 8/248000 chromosomes in the general population by the Genome Aggregation Database (gnomAD). The available evidence is insufficient to determine the role of this variant in disease conclusively. Therefore, this variant is classified as a Variant of Uncertain Significance.

This study involves interpretation of variants in research participants for the purpose of population health screening. Participant phenotype was not available at the time of variant classification. Additional details can be found in publication PMID: 35346344, PMCID: PMC8962531

GeneDx
Classification: Uncertain significance. Last evaluated: 2022-12-02. Review status: criteria provided, single submitter. Criteria: GeneDx Variant Classification Process June 2021. Collection method: clinical testing. Allele origin: germline. Affected: yes.
Comment: In silico analysis supports that this missense variant does not alter protein structure/function; Has not been previously published as pathogenic or benign to our knowledge

Fulgent Genetics
Classification: Uncertain significance for Aortic aneurysm, familial thoracic 4; Visceral myopathy 2; Megacystis-microcolon-intestinal hypoperistalsis syndrome 2. Last evaluated: 2021-11-02. Review status: criteria provided, single submitter. Criteria: ACMG Guidelines, 2015. Collection method: clinical testing. Allele origin: unknown.